The following is an entry in ClinVar:

ClinVar aggregate classification (germline): Uncertain significance. Review status: criteria provided, multiple submitters, no conflicts (2 of 4 stars). 4 submissions from 4 submitters: Uncertain significance (3). 1 of the submissions does not count toward it. Last evaluated 2024-11-21.

Conditions:
Hereditary cancer-predisposing syndrome. Also called: Tumor predisposition; Hereditary Cancer Syndrome; Neoplastic Syndromes, Hereditary; Hereditary neoplastic syndrome. Identifiers: Orphanet 140162, MedGen C0027672, MeSH D009386, MONDO:0015356.
Ataxia-telangiectasia syndrome (AT). Also called: Cerebello-oculocutaneous telangiectasia; Immunodeficiency with ataxia telangiectasia; Ataxia-telangiectasia, complementation group D; AT, COMPLEMENTATION GROUP C; Ataxia-telangiectasia, complementation group E; LOUIS-BAR SYNDROME. Identifiers: Orphanet 100, MedGen C0004135, MONDO:0008840, OMIM 208900.

Allele frequency attached by ClinVar (database versions not stated): ExAC 0.00002.
gnomAD v4.1: 6 of 1,613,876 alleles (0.00037%); highest among the groups gnomAD compares: South Asian, 0.0066%; no homozygotes.

Submissions (4):

Labcorp Genetics (formerly Invitae), Labcorp
Classification: Uncertain significance for Ataxia-telangiectasia syndrome. Last evaluated: 2024-11-21. Review status: criteria provided, single submitter. Criteria: Invitae Variant Classification Sherloc (09022015). Collection method: clinical testing. Allele origin: germline.
Comment: This sequence change replaces valine, which is neutral and non-polar, with phenylalanine, which is neutral and non-polar, at codon 1534 of the ATM protein (p.Val1534Phe). This variant is present in population databases (rs745351684, gnomAD 0.01%). This variant has not been reported in the literature in individuals affected with ATM-related conditions. ClinVar contains an entry for this variant (Variation ID: 453529). Invitae Evidence Modeling of protein sequence and biophysical properties (such as structural, functional, and spatial information, amino acid conservation, physicochemical variation, residue mobility, and thermodynamic stability) indicates that this missense variant is not expected to disrupt ATM protein function with a negative predictive value of 95%. In summary, the available evidence is currently insufficient to determine the role of this variant in disease. Therefore, it has been classified as a Variant of Uncertain Significance.

Ambry Genetics
Classification: Uncertain significance for Hereditary cancer-predisposing syndrome. Last evaluated: 2024-08-15. Review status: criteria provided, single submitter. Criteria: Ambry Variant Classification Scheme 2023. Collection method: clinical testing. Allele origin: germline.
Comment: The p.V1534F variant (also known as c.4600G>T), located in coding exon 29 of the ATM gene, results from a G to T substitution at nucleotide position 4600. The valine at codon 1534 is replaced by phenylalanine, an amino acid with highly similar properties. This amino acid position is not well conserved in available vertebrate species. In addition, this alteration is predicted to be tolerated by in silico analysis. Based on the available evidence, the clinical significance of this variant remains unclear.

Color Diagnostics, LLC DBA Color Health
Classification: Uncertain significance for Hereditary cancer-predisposing syndrome. Last evaluated: 2022-09-12. Review status: criteria provided, single submitter. Criteria: ACMG Guidelines, 2015. Collection method: clinical testing. Allele origin: germline.
Comment: This missense variant replaces valine with phenylalanine at codon 1534 of the ATM protein. Computational prediction suggests that this variant may not impact protein structure and function (internally defined REVEL score threshold <= 0.5, PMID: 27666373). To our knowledge, functional studies have not been reported for this variant. This variant has not been reported in individuals affected with hereditary cancer in the literature. This variant has been identified in 4/251282 chromosomes in the general population by the Genome Aggregation Database (gnomAD). The available evidence is insufficient to determine the role of this variant in disease conclusively. Therefore, this variant is classified as a Variant of Uncertain Significance.

Natera, Inc.
Classification: Uncertain significance for Ataxia-telangiectasia. Last evaluated: 2019-10-28. Review status: no assertion criteria provided. Collection method: clinical testing. Allele origin: germline. Not counted in ClinVar's aggregate classification.

NM_000051.4(ATM):c.4600G>T (p.Val1534Phe)

Gene: ATM (ATM serine/threonine kinase; plus strand). Cytogenetic location: 11q22.3.
Variant type: single nucleotide variant.
Coding change: c.4600G>T on transcript NM_000051.4 (MANE Select); coding-DNA position 4600, G replaced by T.
Protein change: p.Val1534Phe; replaces valine 1534 with phenylalanine.
Molecular consequence: missense variant.
Genome position (GRCh38, 1-based): chr11:108,292,782, G>T. VCF-style: chr11-108292782-G-T. GRCh37 (hg19) VCF-style: chr11-108163509-G-T.
Other names: c.4600G>T, p.Val1534Phe (NM_001351834.2); short protein forms V1534F.
Identifiers: ClinVar variation 453529 (VCV000453529.13), dbSNP rs745351684, ClinGen allele CA6265500.